The following is an entry in ClinVar:

NM_001145860.2(POP1):c.3020T>C (p.Leu1007Pro)

Gene: POP1 (POP1 ribonuclease P/MRP subunit; plus strand). Cytogenetic location: 8q22.2.
Variant type: single nucleotide variant.
Coding change: c.3020T>C on transcript NM_001145860.2 (MANE Select); coding-DNA position 3020, T replaced by C.
Protein change: p.Leu1007Pro; replaces leucine 1007 with proline.
Molecular consequence: missense variant.
Genome position (GRCh38, 1-based): chr8:98,158,216, T>C. VCF-style: chr8-98158216-T-C. GRCh37 (hg19) VCF-style: chr8-99170444-T-C.
Other names: c.3020T>C, p.Leu1007Pro (NM_001145861.2, NM_015029.3); short protein forms L1007P.
Identifiers: ClinVar variation 3699629 (VCV003699629.2).

ClinVar aggregate classification (germline): Uncertain significance (1 of 4 stars; one submission).

gnomAD v4.1: 5 of 1,611,706 alleles (0.00031%); highest among the groups gnomAD compares: Non-Finnish European, 0.00042%; no homozygotes.

Submission:

Labcorp Genetics (formerly Invitae), Labcorp
Classification: Uncertain significance. Last evaluated: 2024-05-18. Review status: criteria provided, single submitter. Criteria: Invitae Variant Classification Sherloc (09022015). Collection method: clinical testing. Allele origin: germline.
Comment: This sequence change replaces leucine, which is neutral and non-polar, with proline, which is neutral and non-polar, at codon 1007 of the POP1 protein (p.Leu1007Pro). This variant is present in population databases (no rsID available, gnomAD 0.007%). This variant has not been reported in the literature in individuals affected with POP1-related conditions. An algorithm developed to predict the effect of missense changes on protein structure and function (PolyPhen-2) suggests that this variant is likely to be disruptive. In summary, the available evidence is currently insufficient to determine the role of this variant in disease. Therefore, it has been classified as a Variant of Uncertain Significance.